The following is an entry in ClinVar:

NM_000492.4(CFTR):c.3874-1113G>A

Gene: CFTR (CF transmembrane conductance regulator; plus strand). Cytogenetic location: 7q31.2.
Variant type: single nucleotide variant.
Coding change: c.3874-1113G>A on transcript NM_000492.4 (MANE Select); 1113 bases into the intron before coding-DNA position 3874, G replaced by A.
Molecular consequence: intron variant.
Genome position (GRCh38, 1-based): chr7:117,651,729, G>A. VCF-style: chr7-117651729-G-A. GRCh37 (hg19) VCF-style: chr7-117291783-G-A.
Identifiers: ClinVar variation 4280035 (VCV004280035.1).

ClinVar aggregate classification (germline): Likely benign (1 of 4 stars; one submission).

Conditions:
Cystic fibrosis (CF). Also called: MUCOVISCIDOSIS. Identifiers: Orphanet 586, MedGen C0010674, MONDO:0009061, OMIM 219700. Disease mechanism: loss of function.

gnomAD v4.1: 87 of 152,220 alleles (0.057%); highest among the groups gnomAD compares: Non-Finnish European, 0.12%; 1 homozygote.

Submission:

Johns Hopkins Genomics, Johns Hopkins University
Classification: Likely benign for Cystic fibrosis. Last evaluated: 2024-08-28. Review status: criteria provided, single submitter. Criteria: ACMG Guidelines, 2015. Collection method: clinical testing. Allele origin: germline.
Comment: PM2, PP4, BP2, BP4